The following is an entry in ClinVar:

ClinVar aggregate classification (germline): Benign/Likely benign. Review status: criteria provided, multiple submitters, no conflicts (2 of 4 stars). 5 submissions from 5 submitters: Benign (3); Likely benign (2). Last evaluated 2026-01-26.

Conditions:
Retinal dystrophy. Also called: Inherited retinal dystrophy. Identifiers: Orphanet 71862, MedGen C0854723, MeSH D058499, MONDO:0019118, HP:0000556.
Retinitis pigmentosa 80 (RP80). Identifiers: MedGen C4540439, MONDO:0054708, OMIM 617781.
Saldino-Mainzer syndrome (SRTD9). Also called: CONORENAL SYNDROME; short-rib thoracic dysplasia 9 with or without polydactyly; Renal dysplasia, retinal pigmentary dystrophy, cerebellar ataxia and skeletal dysplasia; SHORT-RIB THORACIC DYSPLASIA 9 WITHOUT POLYDACTYLY. Identifiers: Orphanet 140969, MedGen C1849437, MONDO:0009964, OMIM 266920.

Allele frequency attached by ClinVar (database versions not stated): gnomAD 0.00016 and 0.00023; gnomAD exomes 0.00018 and 0.00077; TOPMed 0.00041; ExAC 0.00095; 1000 Genomes Project 0.00100; 1000 Genomes Project 30x 0.00141.
gnomAD v4.1: 280 of 1,559,478 alleles (0.018%); highest among the groups gnomAD compares: East Asian, 0.6%; 2 homozygotes.

Submissions (5):

Labcorp Genetics (formerly Invitae), Labcorp
Classification: Benign for Saldino-Mainzer syndrome. Last evaluated: 2026-01-26. Review status: criteria provided, single submitter. Criteria: Invitae Variant Classification Sherloc (09022015). Collection method: clinical testing. Allele origin: germline.

Blueprint Genetics
Classification: Likely benign. Last evaluated: 2024-11-08. Review status: criteria provided, single submitter. Criteria: ACMG Guidelines, 2015. Collection method: clinical testing. Allele origin: germline.

Dept Of Ophthalmology, Nagoya University
Classification: Benign for Retinal dystrophy. Last evaluated: 2023-10-01. Review status: criteria provided, single submitter. Criteria: Submitter's publication. Collection method: research. Allele origin: germline. Affected: yes.

Fulgent Genetics
Classification: Likely benign for Saldino-Mainzer syndrome; Retinitis pigmentosa 80. Last evaluated: 2021-10-21. Review status: criteria provided, single submitter. Criteria: ACMG Guidelines, 2015. Collection method: clinical testing. Allele origin: unknown.

Illumina Laboratory Services, Illumina
Classification: Benign for Saldino-Mainzer syndrome. Last evaluated: 2018-01-12. Review status: criteria provided, single submitter. Criteria: ICSL Variant Classification Criteria 13 December 2019. Collection method: clinical testing. Allele origin: germline.
Comment: This variant was observed in the ICSL laboratory as part of a predisposition screen in an ostensibly healthy population. It had not been previously curated by ICSL or reported in the Human Gene Mutation Database (HGMD: prior to June 1st, 2018), and was therefore a candidate for classification through an automated scoring system. Utilizing variant allele frequency, disease prevalence and penetrance estimates, and inheritance mode, an automated score was calculated to assess if this variant is too frequent to cause the disease. Based on the score and internal cut-off values, a variant classified as benign is not then subjected to further curation. The score for this variant resulted in a classification of benign for this disease.

NM_014714.4(IFT140):c.2742C>T (p.Ser914=)

Gene: IFT140 (intraflagellar transport 140; minus strand). Cytogenetic location: 16p13.3.
Variant type: single nucleotide variant.
Coding change: c.2742C>T on transcript NM_014714.4 (MANE Select); coding-DNA position 2742, C replaced by T.
Protein change: p.Ser914=; no amino-acid change (serine 914 retained).
Molecular consequence: synonymous variant.
Genome position (GRCh38, 1-based): chr16:1,525,913, G>A on the plus strand (C>T on the coding strand, the complement: IFT140 is on the minus strand). VCF-style: chr16-1525913-G-A. GRCh37 (hg19) VCF-style: chr16-1575914-G-A.
Identifiers: ClinVar variation 772459 (VCV000772459.17), dbSNP rs374793763, ClinGen allele CA7813513.
Genomic context (GRCh38, chr16:1,525,913, plus strand): 5'-GAGGCAGGGAAGAGGCCGCGAGGGCCGCACTCACTAACTGAGGGCCCGGCTGCAGTCGGC[G>A]CTGGCCTCCAGGTGCCCGGCATAGCGGTGGTAGGTGCTGCGCAGGTGCACGCGATCGTGG-3'
Protein context (NP_055529.2, residues 904-924): YHRYAGHLEA[Ser914=]ADCSRALSYY